The following is an entry in ClinVar:

ClinVar aggregate classification (germline): Uncertain significance. Review status: criteria provided, multiple submitters, no conflicts (2 of 4 stars). 5 submissions from 5 submitters: Uncertain significance (4). 1 of the submissions does not count toward it. Last evaluated 2025-10-07.

Conditions:
Inborn genetic diseases. Identifiers: MedGen C0950123, MeSH D030342.
Fanconi anemia complementation group A (FANCA). Also called: Fanconi anemia, group A; FANCA-Related Fanconi Anemia. Identifiers: Orphanet 84, MedGen C3469521, MONDO:0009215, OMIM 227650.
Fanconi anemia (FA). Also called: Fanconi's anemia. Identifiers: Orphanet 84, MedGen C0015625, MeSH D005199, MONDO:0019391.

Allele frequency attached by ClinVar (database versions not stated): gnomAD exomes 0.00002; ExAC 0.00003; gnomAD 0.00003; TOPMed 0.00003.

Submissions (5):

Labcorp Genetics (formerly Invitae), Labcorp
Classification: Uncertain significance for Fanconi anemia. Last evaluated: 2025-10-07. Review status: criteria provided, single submitter. Criteria: Invitae Variant Classification Sherloc (09022015). Collection method: clinical testing. Allele origin: germline.
Comment: This sequence change replaces valine, which is neutral and non-polar, with methionine, which is neutral and non-polar, at codon 580 of the FANCA protein (p.Val580Met). This variant is present in population databases (rs769158149, gnomAD 0.006%). This variant has not been reported in the literature in individuals affected with FANCA-related conditions. ClinVar contains an entry for this variant (Variation ID: 853819). Invitae Evidence Modeling of protein sequence and biophysical properties (such as structural, functional, and spatial information, amino acid conservation, physicochemical variation, residue mobility, and thermodynamic stability) indicates that this missense variant is not expected to disrupt FANCA protein function with a negative predictive value of 95%. In summary, the available evidence is currently insufficient to determine the role of this variant in disease. Therefore, it has been classified as a Variant of Uncertain Significance.

Ambry Genetics
Classification: Uncertain significance for Inborn genetic diseases. Last evaluated: 2024-11-28. Review status: criteria provided, single submitter. Criteria: Ambry Variant Classification Scheme 2023. Collection method: clinical testing. Allele origin: germline.
Comment: The p.V580M variant (also known as c.1738G>A), located in coding exon 19 of the FANCA gene, results from a G to A substitution at nucleotide position 1738. The valine at codon 580 is replaced by methionine, an amino acid with highly similar properties. This amino acid position is conserved. In addition, this alteration is predicted to be tolerated by in silico analysis. Based on the available evidence, the clinical significance of this variant remains unclear.

Fulgent Genetics
Classification: Uncertain significance for Fanconi anemia complementation group A. Last evaluated: 2021-07-24. Review status: criteria provided, single submitter. Criteria: ACMG Guidelines, 2015. Collection method: clinical testing. Allele origin: unknown.

Illumina Laboratory Services, Illumina
Classification: Uncertain significance for Fanconi anemia complementation group A. Last evaluated: 2017-04-27. Review status: criteria provided, single submitter. Criteria: ICSL Variant Classification Criteria 13 December 2019. Collection method: clinical testing. Allele origin: germline.

Natera, Inc.
Classification: Uncertain significance for Fanconi anemia, group A. Last evaluated: 2020-09-16. Review status: no assertion criteria provided. Collection method: clinical testing. Allele origin: germline. Not counted in ClinVar's aggregate classification.

NM_000135.4(FANCA):c.1738G>A (p.Val580Met)

Gene: FANCA (FA complementation group A; minus strand). Cytogenetic location: 16q24.3.
Variant type: single nucleotide variant.
Coding change: c.1738G>A on transcript NM_000135.4 (MANE Select); coding-DNA position 1738, G replaced by A.
Protein change: p.Val580Met; replaces valine 580 with methionine.
Molecular consequence: missense variant.
Genome position (GRCh38, 1-based): chr16:89,778,981, C>T on the plus strand (G>A on the coding strand, the complement: FANCA is on the minus strand). VCF-style: chr16-89778981-C-T. GRCh37 (hg19) VCF-style: chr16-89845389-C-T.
Other names: c.1738G>A, p.Val580Met (NM_001286167.3); short protein forms V580M.
Identifiers: ClinVar variation 853819 (VCV000853819.13), dbSNP rs769158149, ClinGen allele CA8252123.
Genomic context (GRCh38, chr16:89,778,981, plus strand): 5'-ACTCATGGAGACGCATACTGACCACTCGAGGTGTGAGCAGGGCGGGGAGGAAGTGGGACA[C>T]GTAGTAAGGCCTCCTGAATATGCTGCAACACAGAGAAGCAGACAGTGCATCAGTCAGAGC-3'
Protein context (NP_000126.2, residues 570-590): EASIFRRPYY[Val580Met]SHFLPALLTP